The following is an entry in ClinVar:

ClinVar aggregate classification (germline): Uncertain significance. Review status: criteria provided, multiple submitters, no conflicts (2 of 4 stars). 2 submissions from 2 submitters: Uncertain significance (2). Last evaluated 2026-02-02.

Conditions:
KSR2-related disorder. Also called: KSR2-related condition.

gnomAD v4.1: 65 of 1,612,676 alleles (0.004%); highest among the groups gnomAD compares: Non-Finnish European, 0.0052%; no homozygotes.

Submissions (2):

PreventionGenetics, part of Exact Sciences
Classification: Uncertain significance for KSR2-related condition. Last evaluated: 2026-02-02. Review status: criteria provided, single submitter. Criteria: ACMG Guidelines, 2015. Collection method: clinical testing. Allele origin: germline.
Comment: The KSR2 c.1024G>A variant is predicted to result in the amino acid substitution p.Gly342Arg. To our knowledge, this variant has not been reported in the literature. This variant is reported in 0.0039% of alleles in individuals of European (Non-Finnish) descent in gnomAD. At this time, the clinical significance of this variant is uncertain due to the absence of conclusive functional and genetic evidence.

Ambry Genetics
Classification: Uncertain significance. Last evaluated: 2025-08-24. Review status: criteria provided, single submitter. Criteria: Ambry Variant Classification Scheme 2023. Collection method: clinical testing. Allele origin: germline.

NM_173598.6(KSR2):c.1111G>A (p.Gly371Arg)

Gene: KSR2 (kinase suppressor of ras 2; minus strand). Cytogenetic location: 12q24.22.
Variant type: single nucleotide variant.
Coding change: c.1111G>A on transcript NM_173598.6 (MANE Select); coding-DNA position 1111, G replaced by A.
Protein change: p.Gly371Arg; replaces glycine 371 with arginine.
Molecular consequence: missense variant.
Genome position (GRCh38, 1-based): chr12:117,667,534, C>T on the plus strand (G>A on the coding strand, the complement: KSR2 is on the minus strand). VCF-style: chr12-117667534-C-T. GRCh37 (hg19) VCF-style: chr12-118105339-C-T.
Other names: short protein forms G371R.
Identifiers: ClinVar variation 4095833 (VCV004095833.2).